The following is an entry in ClinVar:

NM_002469.3(MYF6):c.184G>A (p.Val62Ile)

Gene: MYF6 (myogenic factor 6; plus strand). Cytogenetic location: 12q21.31.
Variant type: single nucleotide variant.
Coding change: c.184G>A on transcript NM_002469.3 (MANE Select); coding-DNA position 184, G replaced by A.
Protein change: p.Val62Ile; replaces valine 62 with isoleucine.
Molecular consequence: missense variant.
Genome position (GRCh38, 1-based): chr12:80,707,903, G>A. VCF-style: chr12-80707903-G-A. GRCh37 (hg19) VCF-style: chr12-81101682-G-A.
Other names: short protein forms V62I.
Identifiers: ClinVar variation 472751 (VCV000472751.16), dbSNP rs190471225, ClinGen allele CA6703041.

ClinVar aggregate classification (germline): Uncertain significance. Review status: criteria provided, multiple submitters, no conflicts (2 of 4 stars). 3 submissions from 3 submitters: Uncertain significance (3). Last evaluated 2025-06-17.

Conditions:
Autosomal dominant centronuclear myopathy. Also called: MYOTUBULAR MYOPATHY, AUTOSOMAL DOMINANT; Myopathy, centronuclear, 3. Identifiers: Orphanet 169189, MedGen C4551952, MeSH D020914, MONDO:0008048, OMIM 160150.

Allele frequency attached by ClinVar (database versions not stated): gnomAD 0.00019; TOPMed 0.00023; gnomAD exomes 0.00025 and 0.00040; 1000 Genomes Project 30x 0.00031; ExAC 0.00031; ESP Exome Variant Server 0.00031; 1000 Genomes Project 0.00040.
gnomAD v4.1: 601 of 1,614,162 alleles (0.037%); highest among the groups gnomAD compares: Admixed American, 0.05%; no homozygotes.

Submissions (3):

Revvity Omics, Revvity
Classification: Uncertain significance. Last evaluated: 2025-06-17. Review status: criteria provided, single submitter. Criteria: ACMG Guidelines, 2015. Collection method: clinical testing. Allele origin: germline.

Women's Health and Genetics/Laboratory Corporation of America, LabCorp
Classification: Uncertain significance. Last evaluated: 2024-04-09. Review status: criteria provided, single submitter. Criteria: LabCorp Variant Classification Summary - May 2015. Collection method: clinical testing. Allele origin: germline.
Comment: Variant summary: MYF6 c.184G>A (p.Val62Ile) results in a conservative amino acid change located in the Myogenic muscle-specific protein, N-terminal domain (IPR002546) of the encoded protein sequence. Three of five in-silico tools predict a damaging effect of the variant on protein function. The variant allele was found at a frequency of 0.00025 in 251318 control chromosomes (gnomAD). c.184G>A has been reported in the literature in an individual affected with Miyoshi myopathy without strong evidence of causality (Scalco_2017). This report does not provide unequivocal conclusions about association of the variant with MYF6-Related Disorders. Co-occurrence with another pathogenic variant was reported in this patient (DYSF c.3203_3204del, p.Leu1068fs), providing supporting evidence for a benign role. To our knowledge, no experimental evidence demonstrating an impact on protein function has been reported. The following publication has been ascertained in the context of this evaluation (PMID: 28053302). ClinVar contains an entry for this variant (Variation ID: 472751). Based on the evidence outlined above, the variant was classified as uncertain significance.

Labcorp Genetics (formerly Invitae), Labcorp
Classification: Uncertain significance for Autosomal dominant centronuclear myopathy. Last evaluated: 2024-01-15. Review status: criteria provided, single submitter. Criteria: Invitae Variant Classification Sherloc (09022015). Collection method: clinical testing. Allele origin: germline.
Comment: This sequence change replaces valine, which is neutral and non-polar, with isoleucine, which is neutral and non-polar, at codon 62 of the MYF6 protein (p.Val62Ile). This variant is present in population databases (rs190471225, gnomAD 0.05%), and has an allele count higher than expected for a pathogenic variant. This variant has not been reported in the literature in individuals affected with MYF6-related conditions. ClinVar contains an entry for this variant (Variation ID: 472751). Advanced modeling of protein sequence and biophysical properties (such as structural, functional, and spatial information, amino acid conservation, physicochemical variation, residue mobility, and thermodynamic stability) performed at Invitae indicates that this missense variant is not expected to disrupt MYF6 protein function with a negative predictive value of 80%. In summary, the available evidence is currently insufficient to determine the role of this variant in disease. Therefore, it has been classified as a Variant of Uncertain Significance.

Literature cited by the submitters: PubMed 28053302 (cited by Women's Health and Genetics/Laboratory Corporation of America, LabCorp).